The following is an entry in ClinVar:

ClinVar aggregate classification (germline): Uncertain significance. Review status: criteria provided, multiple submitters, no conflicts (2 of 4 stars). 4 submissions from 4 submitters: Uncertain significance (3). 1 of the submissions does not count toward it. Last evaluated 2023-04-11.

Conditions:
Familial hypercholesterolemia. Also called: Familial hypercholesterolaemia; Familial hypercholesterolemias. Identifiers: MedGen C0020445, MONDO:0005439.
Hypercholesterolemia, familial, 4 (FHCL4). Also called: HYPERCHOLESTEROLEMIA, AUTOSOMAL RECESSIVE, 1; HYPERCHOLESTEROLEMIA, AUTOSOMAL RECESSIVE, 2. Identifiers: Orphanet 391665, MedGen C1863512, MONDO:0011374, OMIM 603813.

Allele frequency attached by ClinVar (database versions not stated): gnomAD exomes below 0.00001 and 0.00001; gnomAD 0.00001; TOPMed 0.00001.
gnomAD v4.1: 7 of 1,613,296 alleles (0.00043%); highest among the groups gnomAD compares: Admixed American, 0.0033%; no homozygotes.

Submissions (4):

Genome-Nilou Lab
Classification: Uncertain significance for Hypercholesterolemia, familial, 4. Last evaluated: 2023-04-11. Review status: criteria provided, single submitter. Criteria: ACMG Guidelines, 2015. Collection method: clinical testing. Allele origin: germline. Affected: no.

Fulgent Genetics
Classification: Uncertain significance for Hypercholesterolemia, familial, 4. Last evaluated: 2021-12-22. Review status: criteria provided, single submitter. Criteria: ACMG Guidelines, 2015. Collection method: clinical testing. Allele origin: unknown.

Labcorp Genetics (formerly Invitae), Labcorp
Classification: Uncertain significance for Hypercholesterolemia, familial, 4. Last evaluated: 2021-09-02. Review status: criteria provided, single submitter. Criteria: Invitae Variant Classification Sherloc (09022015). Collection method: clinical testing. Allele origin: germline.
Comment: This sequence change replaces methionine with threonine at codon 281 of the LDLRAP1 protein (p.Met281Thr). The methionine residue is weakly conserved and there is a moderate physicochemical difference between methionine and threonine. This variant is not present in population databases (ExAC no frequency). This variant has not been reported in the literature in individuals affected with LDLRAP1-related conditions. Algorithms developed to predict the effect of missense changes on protein structure and function are either unavailable or do not agree on the potential impact of this missense change (SIFT: "Deleterious"; PolyPhen-2: "Benign"; Align-GVGD: "Class C0"). In summary, the available evidence is currently insufficient to determine the role of this variant in disease. Therefore, it has been classified as a Variant of Uncertain Significance.

Natera, Inc.
Classification: Uncertain significance for Familial hypercholesterolemia. Last evaluated: 2019-11-11. Review status: no assertion criteria provided. Collection method: clinical testing. Allele origin: germline. Not counted in ClinVar's aggregate classification.

NM_015627.3(LDLRAP1):c.842T>C (p.Met281Thr)

Gene: LDLRAP1 (low density lipoprotein receptor adaptor protein 1; plus strand). Cytogenetic location: 1p36.11.
Variant type: single nucleotide variant.
Coding change: c.842T>C on transcript NM_015627.3 (MANE Select); coding-DNA position 842, T replaced by C.
Protein change: p.Met281Thr; replaces methionine 281 with threonine.
Molecular consequence: missense variant.
Genome position (GRCh38, 1-based): chr1:25,566,907, T>C. VCF-style: chr1-25566907-T-C. GRCh37 (hg19) VCF-style: chr1-25893398-T-C.
Other names: short protein forms M281T.
Identifiers: ClinVar variation 570480 (VCV000570480.6), dbSNP rs1047410438, ClinGen allele CA19649440.